The following is an entry in ClinVar:

NM_198252.3(GSN):c.2009C>T (p.Thr670Ile)

Gene: GSN (gelsolin; plus strand). Cytogenetic location: 9q33.2.
Variant type: single nucleotide variant.
Coding change: c.2009C>T on transcript NM_198252.3 (MANE Select); coding-DNA position 2009, C replaced by T.
Protein change: p.Thr670Ile; replaces threonine 670 with isoleucine.
Molecular consequence: missense variant.
Genome position (GRCh38, 1-based): chr9:121,331,431, C>T. VCF-style: chr9-121331431-C-T. GRCh37 (hg19) VCF-style: chr9-124093709-C-T.
Other names: c.2042C>T, p.Thr681Ile (NM_001353073.2, NM_001353074.2, NM_001353075.1 and 13 more transcripts); c.2081C>T, p.Thr694Ile (NM_001353076.2); c.1355C>T, p.Thr452Ile (NM_001353078.2); c.2162C>T, p.Thr721Ile (NM_000177.5); c.2009C>T, p.Thr670Ile (NM_001127662.2, NM_001127664.2, NM_001127665.2 and 10 more transcripts); c.2117C>T, p.Thr706Ile (NM_001127663.2); c.2060C>T, p.Thr687Ile (NM_001258029.2); c.2033C>T, p.Thr678Ile (NM_001258030.2); short protein forms T681I, T694I, T721I, T452I, T687I, T670I, T678I, T706I.
Identifiers: ClinVar variation 1973320 (VCV001973320.5), dbSNP rs2541417497, ClinGen allele CA374759830.

ClinVar aggregate classification (germline): Uncertain significance (1 of 4 stars; one submission).

Submission:

Labcorp Genetics (formerly Invitae), Labcorp
Classification: Uncertain significance. Last evaluated: 2022-05-15. Review status: criteria provided, single submitter. Criteria: Invitae Variant Classification Sherloc (09022015). Collection method: clinical testing. Allele origin: germline.
Comment: In summary, the available evidence is currently insufficient to determine the role of this variant in disease. Therefore, it has been classified as a Variant of Uncertain Significance. Algorithms developed to predict the effect of missense changes on protein structure and function (SIFT, PolyPhen-2, Align-GVGD) all suggest that this variant is likely to be tolerated. This variant has not been reported in the literature in individuals affected with GSN-related conditions. This variant is not present in population databases (gnomAD no frequency). This sequence change replaces threonine, which is neutral and polar, with isoleucine, which is neutral and non-polar, at codon 721 of the GSN protein (p.Thr721Ile).